The following is an entry in ClinVar:

ClinVar aggregate classification (germline): Uncertain significance (1 of 4 stars; one submission).

Conditions:
Hereditary cancer-predisposing syndrome. Also called: Neoplastic Syndromes, Hereditary; Tumor predisposition; Hereditary Cancer Syndrome; Hereditary neoplastic syndrome. Identifiers: Orphanet 140162, MedGen C0027672, MeSH D009386, MONDO:0015356.

Submission:

Ambry Genetics
Classification: Uncertain significance for Hereditary cancer-predisposing syndrome. Last evaluated: 2022-07-01. Review status: criteria provided, single submitter. Criteria: Ambry Variant Classification Scheme 2023. Collection method: clinical testing. Allele origin: germline.
Comment: The p.T218A variant (also known as c.652A>G), located in coding exon 8 of the BAP1 gene, results from an A to G substitution at nucleotide position 652. The threonine at codon 218 is replaced by alanine, an amino acid with similar properties. This amino acid position is highly conserved in available vertebrate species. In addition, the in silico prediction for this alteration is inconclusive. Since supporting evidence is limited at this time, the clinical significance of this alteration remains unclear.

NM_004656.4(BAP1):c.652A>G (p.Thr218Ala)

Gene: BAP1 (BRCA1 associated deubiquitinase 1; minus strand). Cytogenetic location: 3p21.1.
Variant type: single nucleotide variant.
Coding change: c.652A>G on transcript NM_004656.4 (MANE Select); coding-DNA position 652, A replaced by G.
Protein change: p.Thr218Ala; replaces threonine 218 with alanine.
Molecular consequence: missense variant.
Genome position (GRCh38, 1-based): chr3:52,406,836, T>C on the plus strand (A>G on the coding strand, the complement: BAP1 is on the minus strand). VCF-style: chr3-52406836-T-C. GRCh37 (hg19) VCF-style: chr3-52440852-T-C.
Other names: c.652A>G, p.Thr218Ala (NM_001410772.1); short protein forms T218A.
Identifiers: ClinVar variation 1754062 (VCV001754062.2), dbSNP rs2471346740, ClinGen allele CA353108733.
Genomic context (GRCh38, chr3:52,406,836, plus strand): 5'-CCAAAGTAGGTACAGCTCCAGAGAGTAGAACAGGGCAGGCACAGGGCCCTTACCCTGCAG[T>C]GGCGAGGCCGATACGCTCCATGATGACCCGCCGGGCCTTGTCTGTCCACTCCTCGTCCTC-3'
Protein context (NP_004647.1, residues 208-228): RVIMERIGLA[Thr218Ala]AGEPYHDIRF